The following is an entry in ClinVar:

ClinVar aggregate classification (germline): Pathogenic/Likely pathogenic. Review status: criteria provided, multiple submitters, no conflicts (2 of 4 stars). 2 submissions from 2 submitters: Pathogenic (1); Likely pathogenic (1). Last evaluated 2023-12-21.

Conditions:
ALG8 congenital disorder of glycosylation. Also called: CDG Ih; ALG8-CDG; CONGENITAL DISORDER OF GLYCOSYLATION, TYPE Ih. Identifiers: Orphanet 79325, MedGen C2931002, MONDO:0011969, OMIM 608104.
Polycystic liver disease 3 with or without kidney cysts. Identifiers: MedGen C4693472, MONDO:0054743, OMIM 617874.

Submissions (2):

Fulgent Genetics
Classification: Likely pathogenic for ALG8 congenital disorder of glycosylation; Polycystic liver disease 3 with or without kidney cysts. Last evaluated: 2023-12-21. Review status: criteria provided, single submitter. Criteria: ACMG Guidelines, 2015. Collection method: clinical testing. Allele origin: germline.

Labcorp Genetics (formerly Invitae), Labcorp
Classification: Pathogenic for ALG8 congenital disorder of glycosylation. Last evaluated: 2023-03-13. Review status: criteria provided, single submitter. Criteria: Invitae Variant Classification Sherloc (09022015). Collection method: clinical testing. Allele origin: germline.
Comment: This variant has not been reported in the literature in individuals affected with ALG8-related conditions. This variant is present in population databases (rs745894763, gnomAD 0.02%). This sequence change creates a premature translational stop signal (p.Gly275Alafs*27) in the ALG8 gene. It is expected to result in an absent or disrupted protein product. Loss-of-function variants in ALG8 are known to be pathogenic (PMID: 19862844). For these reasons, this variant has been classified as Pathogenic.

Literature cited by the submitters: PubMed 19862844 (cited by Labcorp Genetics (formerly Invitae), Labcorp).

NM_024079.5(ALG8):c.824del (p.Gly275fs)

Gene: ALG8 (ALG8 alpha-1,3-glucosyltransferase; minus strand). Cytogenetic location: 11q14.1.
Variant type: Deletion.
Coding change: c.824del on transcript NM_024079.5 (MANE Select); coding-DNA position 824, one base deleted (G; older notation c.824delG).
Protein change: p.Gly275fs; shifts the reading frame from glycine 275.
Molecular consequence: frameshift variant.
Genome position (GRCh38, 1-based): chr11:78,112,724, C deleted on the plus strand (G on the coding strand, the reverse complement: ALG8 is on the minus strand); the first of 4 consecutive C bases (chr11:78,112,724-78,112,727); deleting any one gives the same sequence. VCF-style (leftmost placement, unchanged base first): chr11-78112723-GC-G. GRCh37 (hg19) VCF-style: chr11-77823769-GC-G.
Other names: c.824del, p.Gly275fs (NM_001007027.3); c.824delG, p.Gly276Alafs (NM_001425219.1); c.806delG, p.Gly270Alafs (NM_001425220.1); c.821delG, p.Gly275Alafs (NM_001425221.1, NM_001425222.1, NM_001425225.1 and 7 more transcripts); c.815delG, p.Gly273Alafs (NM_001425223.1); c.914delG, p.Gly306Alafs (NM_001425224.1); c.668delG, p.Gly224Alafs (NM_001425226.1, NM_001425235.1, NM_001425236.1); c.620delG, p.Gly208Alafs (NM_001425231.1); and 4 more; short protein forms G275fs.
Identifiers: ClinVar variation 2982294 (VCV002982294.4), dbSNP rs745894763, ClinGen allele CA6203323.
Genomic context (GRCh38, chr11:78,112,723, plus strand): 5'-CACTTTGTCCAAAGCATTGTACAAAGCCCAGAAGTTTGGAGCCCAATATGCATGACAGAG[GC>G]CCCTCTTGAAAGGAAAGAGTCGGGAAAAGACTTGAGGCAGCTGATTCTGTTGAAAAGAGA-3'